The following is an entry in ClinVar:

ClinVar aggregate classification (germline): Likely benign. Review status: criteria provided, multiple submitters, no conflicts (2 of 4 stars). 2 submissions from 2 submitters: Likely benign (2). Last evaluated 2025-11-19.

Conditions:
Dilated cardiomyopathy 1G (CMD1G). Identifiers: Orphanet 154, MedGen C1858763, MONDO:0011400, OMIM 604145.
Autosomal recessive limb-girdle muscular dystrophy type 2J (LGMDR10). Also called: MUSCULAR DYSTROPHY, LIMB-GIRDLE, AUTOSOMAL RECESSIVE 10; Limb-girdle muscular dystrophy, type 2J. Identifiers: Orphanet 140922, MedGen C1837342, MONDO:0012127, OMIM 608807.

Allele frequency attached by ClinVar (database versions not stated): gnomAD exomes below 0.00001; TOPMed below 0.00001.
gnomAD v4.1: 5 of 1,591,276 alleles (0.00031%); highest among the groups gnomAD compares: South Asian, 0.0035%; no homozygotes.

Submissions (2):

Labcorp Genetics (formerly Invitae), Labcorp
Classification: Likely benign for Dilated cardiomyopathy 1G; Autosomal recessive limb-girdle muscular dystrophy type 2J. Last evaluated: 2025-11-19. Review status: criteria provided, single submitter. Criteria: Invitae Variant Classification Sherloc (09022015). Collection method: clinical testing. Allele origin: germline.

Women's Health and Genetics/Laboratory Corporation of America, LabCorp
Classification: Likely benign. Last evaluated: 2025-04-29. Review status: criteria provided, single submitter. Criteria: LabCorp Variant Classification Summary - May 2015. Collection method: clinical testing. Allele origin: germline.
Comment: Variant summary: TTN c.31325-6T>C alters a conserved nucleotide located at a position not widely known to affect splicing. Consensus agreement among computation tools predict no significant impact on normal splicing. However, these predictions have yet to be confirmed by functional studies. The frequency data for this variant in gnomAD is considered unreliable, as metrics indicate poor data quality at this position. To our knowledge, no occurrence of c.31325-6T>C in individuals affected with TTN-related conditions and no experimental evidence demonstrating its impact on protein function have been reported. ClinVar contains an entry for this variant (Variation ID: 1127185). Based on the evidence outlined above, the variant was classified as likely benign.

NM_001267550.2(TTN):c.35228-6T>C

Gene: TTN (titin; minus strand). Cytogenetic location: 2q31.2.
Variant type: single nucleotide variant.
Coding change: c.35228-6T>C on transcript NM_001267550.2 (MANE Select); 6 bases into the intron before coding-DNA position 35228, T replaced by C.
Molecular consequence: intron variant.
Genome position (GRCh38, 1-based): chr2:178,671,176, A>G on the plus strand (T>C on the coding strand, the complement: TTN is on the minus strand). VCF-style: chr2-178671176-A-G. GRCh37 (hg19) VCF-style: chr2-179535903-A-G.
Other names: c.13283-28859T>C (NM_003319.4); c.13859-28859T>C (NM_133437.4); c.13658-28859T>C (NM_133432.3); c.31325-6T>C (NM_133378.4); c.34106-6T>C (NM_001256850.1).
Identifiers: ClinVar variation 1127185 (VCV001127185.11), dbSNP rs1399428209, ClinGen allele CA538094091.